The following is an entry in ClinVar:

ClinVar aggregate classification (germline): Uncertain significance (1 of 4 stars; one submission).

Conditions:
Familial thoracic aortic aneurysm and aortic dissection (TAAD). Also called: Thoracic aortic aneurysms and dissections. Identifiers: Orphanet 91387, MedGen C4707243, MONDO:0019625.

Allele frequency attached by ClinVar (database versions not stated): gnomAD exomes below 0.00001.
gnomAD v4.1: 1 of 1,613,854 alleles (0.000062%); highest among the groups gnomAD compares: Non-Finnish European, 0.000085%; no homozygotes.

Submission:

Labcorp Genetics (formerly Invitae), Labcorp
Classification: Uncertain significance for Familial thoracic aortic aneurysm and aortic dissection. Last evaluated: 2022-08-16. Review status: criteria provided, single submitter. Criteria: Invitae Variant Classification Sherloc (09022015). Collection method: clinical testing. Allele origin: germline.
Comment: This variant is present in population databases (no rsID available, gnomAD 0.003%). This sequence change replaces alanine, which is neutral and non-polar, with aspartic acid, which is acidic and polar, at codon 116 of the TGFBR2 protein (p.Ala116Asp). This variant has not been reported in the literature in individuals affected with TGFBR2-related conditions. In summary, the available evidence is currently insufficient to determine the role of this variant in disease. Therefore, it has been classified as a Variant of Uncertain Significance. Advanced modeling of protein sequence and biophysical properties (such as structural, functional, and spatial information, amino acid conservation, physicochemical variation, residue mobility, and thermodynamic stability) performed at Invitae indicates that this missense variant is not expected to disrupt TGFBR2 protein function. ClinVar contains an entry for this variant (Variation ID: 1475852).

NM_003242.6(TGFBR2):c.347C>A (p.Ala116Asp)

Gene: TGFBR2 (transforming growth factor beta receptor 2; plus strand). Cytogenetic location: 3p24.1.
Variant type: single nucleotide variant.
Coding change: c.347C>A on transcript NM_003242.6 (MANE Select); coding-DNA position 347, C replaced by A.
Protein change: p.Ala116Asp; replaces alanine 116 with aspartic acid.
Molecular consequence: missense variant.
Genome position (GRCh38, 1-based): chr3:30,650,353, C>A. VCF-style: chr3-30650353-C-A. GRCh37 (hg19) VCF-style: chr3-30691845-C-A.
Other names: c.422C>A, p.Ala141Asp (NM_001024847.3, NM_001407126.1, NM_001407139.1); c.347C>A, p.Ala116Asp (NM_001407127.1, NM_001407130.1); c.374C>A, p.Ala125Asp (NM_001407128.1); c.242C>A, p.Ala81Asp (NM_001407129.1, NM_001407132.1, NM_001407133.1 and 3 more transcripts); short protein forms A116D, A141D, A81D, A125D.
Identifiers: ClinVar variation 1475852 (VCV001475852.7), dbSNP rs779603895, ClinGen allele CA351806884.